The following is an entry in ClinVar:

NM_000208.4(INSR):c.3263G>A (p.Arg1088His)

Gene: INSR (insulin receptor; minus strand). Cytogenetic location: 19p13.2.
Variant type: single nucleotide variant.
Coding change: c.3263G>A on transcript NM_000208.4 (MANE Select); coding-DNA position 3263, G replaced by A.
Protein change: p.Arg1088His; replaces arginine 1088 with histidine.
Molecular consequence: missense variant.
Genome position (GRCh38, 1-based): chr19:7,122,985, C>T on the plus strand (G>A on the coding strand, the complement: INSR is on the minus strand). VCF-style: chr19-7122985-C-T. GRCh37 (hg19) VCF-style: chr19-7122996-C-T.
Other names: c.3227G>A, p.Arg1076His (NM_001079817.3); short protein forms R1076H, R1088H.
Identifiers: ClinVar variation 4538962 (VCV004538962.1).

ClinVar aggregate classification (germline): Uncertain significance (1 of 4 stars; one submission).

gnomAD v4.1: 8 of 1,598,984 alleles (0.0005%); highest among the groups gnomAD compares: Admixed American, 0.0017%; no homozygotes.

Submission:

GeneDx
Classification: Uncertain significance. Last evaluated: 2025-06-20. Review status: criteria provided, single submitter. Criteria: GeneDx Variant Classification Process June 2021. Collection method: clinical testing. Allele origin: germline. Affected: yes.
Comment: In silico analysis supports that this missense variant has a deleterious effect on protein structure/function; This variant is associated with the following publications: (PMID: 37838154)